The following is an entry in ClinVar:

NM_001127255.2(NLRP7):c.1171A>G (p.Thr391Ala)

Gene: NLRP7 (NLR family pyrin domain containing 7; minus strand). Cytogenetic location: 19q13.42.
Variant type: single nucleotide variant.
Coding change: c.1171A>G on transcript NM_001127255.2 (MANE Select); coding-DNA position 1171, A replaced by G.
Protein change: p.Thr391Ala; replaces threonine 391 with alanine.
Molecular consequence: missense variant.
Genome position (GRCh38, 1-based): chr19:54,939,648, T>C on the plus strand (A>G on the coding strand, the complement: NLRP7 is on the minus strand). VCF-style: chr19-54939648-T-C. GRCh37 (hg19) VCF-style: chr19-55451016-T-C.
Other names: c.1171A>G, p.Thr391Ala (NM_001405531.1, NM_139176.4, NM_206828.4); short protein forms T391A.
Identifiers: ClinVar variation 127257 (VCV000127257.4), dbSNP rs199475827, ClinGen allele CA230820.
Genomic context (GRCh38, chr19:54,939,648, plus strand): 5'-CGCCCCGCAGCTGTGCGCCCTGCGGGAACCGGCTGCAGAGGAAACGCAGGAACAGCCCCG[T>C]GCGGGTGAGGCAGGTGGGGACCGGGTCCTCCCCCTTCTCCATCTGCAGCTTCAGAGTCGT-3'
Protein context (NP_001120727.1, residues 381-401): EDPVPTCLTR[Thr391Ala]GLFLRFLCSR

ClinVar aggregate classification (germline): not provided (0 of 4 stars; one submission).

Allele frequency attached by ClinVar (database versions not stated): gnomAD exomes 0.00001; ExAC 0.00002; gnomAD 0.00002 and 0.00003; TOPMed 0.00002; 1000 Genomes Project 30x 0.00016; 1000 Genomes Project 0.00020.
gnomAD v4.1: 16 of 1,611,618 alleles (0.00099%); highest among the groups gnomAD compares: African/African-American, 0.02%; no homozygotes.

Submission:

Human Evolutionary Genetics, Institut Pasteur
No classification provided. Review status: no classification provided. Collection method: not provided. Allele origin: germline.
ClinVar note: Converted during submission from untested to not provided.